The following is an entry in ClinVar:

ClinVar aggregate classification (germline): Benign/Likely benign. Review status: criteria provided, multiple submitters, no conflicts (2 of 4 stars). 4 submissions from 4 submitters: Benign (1); Likely benign (3). Last evaluated 2025-11-28.

Conditions:
Lethal congenital glycogen storage disease of heart. Also called: GLYCOGEN STORAGE DISEASE OF HEART; PHOSPHORYLASE KINASE DEFICIENCY OF HEART. Identifiers: Orphanet 439854, MedGen C1849813, MONDO:0009867, OMIM 261740.
Cardiovascular phenotype. Identifiers: MedGen CN230736.
PRKAG2-related disorder. Also called: PRKAG2-related condition; PRKAG2-related disorders.
Cardiomyopathy (CMYO). Also called: Cardiomyopathies. Identifiers: Orphanet 167848, MedGen C0878544, MONDO:0004994, HP:0001638. Inheritance: Various modes of inheritance.

Allele frequency attached by ClinVar (database versions not stated): ExAC 0.00001; gnomAD exomes 0.00001.
gnomAD v4.1: 8 of 1,610,122 alleles (0.0005%); highest among the groups gnomAD compares: Non-Finnish European, 0.00068%; no homozygotes.

Submissions (4):

Labcorp Genetics (formerly Invitae), Labcorp
Classification: Benign for Lethal congenital glycogen storage disease of heart. Last evaluated: 2025-11-28. Review status: criteria provided, single submitter. Criteria: Invitae Variant Classification Sherloc (09022015). Collection method: clinical testing. Allele origin: germline.

PreventionGenetics, part of Exact Sciences
Classification: Likely benign for PRKAG2-related condition. Last evaluated: 2025-08-14. Review status: criteria provided, single submitter. Criteria: ACMG Guidelines, 2015. Collection method: clinical testing. Allele origin: germline.
Comment: This variant is classified as likely benign based on ACMG/AMP sequence variant interpretation guidelines (Richards et al. 2015 PMID: 25741868, with internal and published modifications).

Ambry Genetics
Classification: Likely benign for Cardiovascular phenotype. Last evaluated: 2024-03-30. Review status: criteria provided, single submitter. Criteria: Ambry Variant Classification Scheme 2023. Collection method: clinical testing. Allele origin: germline.

Color Diagnostics, LLC DBA Color Health
Classification: Likely benign for Cardiomyopathy. Last evaluated: 2019-06-26. Review status: criteria provided, single submitter. Criteria: ACMG Guidelines, 2015. Collection method: clinical testing. Allele origin: germline.

NM_016203.4(PRKAG2):c.60C>T (p.Ser20=)

Gene: PRKAG2 (protein kinase AMP-activated non-catalytic subunit gamma 2; minus strand). Cytogenetic location: 7q36.1.
Variant type: single nucleotide variant.
Coding change: c.60C>T on transcript NM_016203.4 (MANE Select); coding-DNA position 60, C replaced by T.
Protein change: p.Ser20=; no amino-acid change (serine 20 retained).
Molecular consequence: synonymous variant.
Genome position (GRCh38, 1-based): chr7:151,876,561, G>A on the plus strand (C>T on the coding strand, the complement: PRKAG2 is on the minus strand). VCF-style: chr7-151876561-G-A. GRCh37 (hg19) VCF-style: chr7-151573646-G-A.
Other names: c.60C>T (NM_016203.3).
Identifiers: ClinVar variation 921492 (VCV000921492.5), dbSNP rs745416806, ClinGen allele CA057679.